The following is an entry in ClinVar:

ClinVar aggregate classification (germline): Uncertain significance. Review status: criteria provided, multiple submitters, no conflicts (2 of 4 stars). 2 submissions from 2 submitters: Uncertain significance (2). Last evaluated 2025-09-14.

Conditions:
Bloom syndrome (BLM). Also called: Bloom-Torre-Machacek syndrome. Identifiers: Orphanet 125, MedGen C0005859, MONDO:0008876, OMIM 210900.
Hereditary cancer-predisposing syndrome. Also called: Hereditary Cancer Syndrome; Tumor predisposition; Neoplastic Syndromes, Hereditary; Hereditary neoplastic syndrome. Identifiers: Orphanet 140162, MedGen C0027672, MeSH D009386, MONDO:0015356.

Allele frequency attached by ClinVar (database versions not stated): gnomAD exomes below 0.00001; TOPMed below 0.00001.
gnomAD v4.1: 2 of 1,613,282 alleles (0.00012%); highest among the groups gnomAD compares: Non-Finnish European, 0.00017%; no homozygotes.

Submissions (2):

Labcorp Genetics (formerly Invitae), Labcorp
Classification: Uncertain significance for Bloom syndrome. Last evaluated: 2025-09-14. Review status: criteria provided, single submitter. Criteria: Invitae Variant Classification Sherloc (09022015). Collection method: clinical testing. Allele origin: germline.
Comment: This sequence change replaces aspartic acid, which is acidic and polar, with glycine, which is neutral and non-polar, at codon 1188 of the BLM protein (p.Asp1188Gly). This variant is not present in population databases (gnomAD no frequency). This variant has not been reported in the literature in individuals affected with BLM-related conditions. ClinVar contains an entry for this variant (Variation ID: 863388). Invitae Evidence Modeling of protein sequence and biophysical properties (such as structural, functional, and spatial information, amino acid conservation, physicochemical variation, residue mobility, and thermodynamic stability) indicates that this missense variant is not expected to disrupt BLM protein function with a negative predictive value of 80%. In summary, the available evidence is currently insufficient to determine the role of this variant in disease. Therefore, it has been classified as a Variant of Uncertain Significance.

Ambry Genetics
Classification: Uncertain significance for Hereditary cancer-predisposing syndrome. Last evaluated: 2024-05-20. Review status: criteria provided, single submitter. Criteria: Ambry Variant Classification Scheme 2023. Collection method: clinical testing. Allele origin: germline.
Comment: The p.D1188G variant (also known as c.3563A>G), located in coding exon 18 of the BLM gene, results from an A to G substitution at nucleotide position 3563. The aspartic acid at codon 1188 is replaced by glycine, an amino acid with similar properties. This amino acid position is not well conserved in available vertebrate species. In addition, this alteration is predicted to be tolerated by in silico analysis. Based on the available evidence, the clinical significance of this variant remains unclear.

NM_000057.4(BLM):c.3563A>G (p.Asp1188Gly)

Gene: BLM (BLM RecQ like helicase; plus strand). Cytogenetic location: 15q26.1.
Variant type: single nucleotide variant.
Coding change: c.3563A>G on transcript NM_000057.4 (MANE Select); coding-DNA position 3563, A replaced by G.
Protein change: p.Asp1188Gly; replaces aspartic acid 1188 with glycine.
Molecular consequence: missense variant. On other transcripts: intron variant (1).
Genome position (GRCh38, 1-based): chr15:90,804,171, A>G. VCF-style: chr15-90804171-A-G. GRCh37 (hg19) VCF-style: chr15-91347401-A-G.
Other names: c.3563A>G, p.Asp1188Gly (NM_001287246.2); c.2438A>G, p.Asp813Gly (NM_001287248.2); c.3359-4966A>G (NM_001287247.2); c.3563A>G (NM_000057.2); short protein forms D1188G, D813G.
Identifiers: ClinVar variation 863388 (VCV000863388.11), dbSNP rs899745787, ClinGen allele CA274775163.